The following is an entry in ClinVar:

ClinVar aggregate classification (germline): Uncertain significance. Review status: criteria provided, multiple submitters, no conflicts (2 of 4 stars). 2 submissions from 2 submitters: Uncertain significance (2). Last evaluated 2021-09-16.

Conditions:
Inborn genetic diseases. Identifiers: MedGen C0950123, MeSH D030342.

Allele frequency attached by ClinVar (database versions not stated): gnomAD exomes 0.00002 and 0.00006; gnomAD 0.00004 and 0.00005; TOPMed 0.00006; ExAC 0.00008; ESP Exome Variant Server 0.00008.
gnomAD v4.1: 41 of 1,612,712 alleles (0.0025%); highest among the groups gnomAD compares: Admixed American, 0.013%; no homozygotes.

Submissions (2):

Labcorp Genetics (formerly Invitae), Labcorp
Classification: Uncertain significance. Last evaluated: 2021-09-16. Review status: criteria provided, single submitter. Criteria: Invitae Variant Classification Sherloc (09022015). Collection method: clinical testing. Allele origin: germline.
Comment: In summary, the available evidence is currently insufficient to determine the role of this variant in disease. Therefore, it has been classified as a Variant of Uncertain Significance. Algorithms developed to predict the effect of missense changes on protein structure and function are either unavailable or do not agree on the potential impact of this missense change (SIFT: "Deleterious"; PolyPhen-2: "Possibly Damaging"; Align-GVGD: "Class C0"). This variant has not been reported in the literature in individuals affected with H6PD-related conditions. This variant is present in population databases (rs373231848, ExAC 0.03%). This sequence change replaces threonine with methionine at codon 720 of the H6PD protein (p.Thr720Met). The threonine residue is weakly conserved and there is a moderate physicochemical difference between threonine and methionine.

Ambry Genetics
Classification: Uncertain significance for Inborn genetic diseases. Last evaluated: 2021-07-14. Review status: criteria provided, single submitter. Criteria: Ambry Variant Classification Scheme 2023. Collection method: clinical testing. Allele origin: germline.

NM_004285.4(H6PD):c.2159C>T (p.Thr720Met)

Gene: H6PD (hexose-6-phosphate dehydrogenase/glucose 1-dehydrogenase; plus strand). Cytogenetic location: 1p36.22.
Variant type: single nucleotide variant.
Coding change: c.2159C>T on transcript NM_004285.4 (MANE Select); coding-DNA position 2159, C replaced by T.
Protein change: p.Thr720Met; replaces threonine 720 with methionine.
Molecular consequence: missense variant.
Genome position (GRCh38, 1-based): chr1:9,264,652, C>T. VCF-style: chr1-9264652-C-T. GRCh37 (hg19) VCF-style: chr1-9324711-C-T.
Other names: c.2192C>T, p.Thr731Met (NM_001282587.2); c.2159C>T (NM_004285.3); short protein forms T720M, T731M.
Identifiers: ClinVar variation 1383359 (VCV001383359.7), dbSNP rs373231848, ClinGen allele CA575526.